The following is an entry in ClinVar:

ClinVar aggregate classification (germline): Pathogenic (1 of 4 stars; one submission).

Conditions:
Short-rib thoracic dysplasia 7 with or without polydactyly (SRTD7). Also called: Short rib polydactyly syndrome 5; SHORT-RIB THORACIC DYSPLASIA 7 WITH POLYDACTYLY. Identifiers: Orphanet 498497, Orphanet 93271, MedGen C3279792, MONDO:0013569, OMIM 614091.
Cranioectodermal dysplasia 2 (CED2). Identifiers: Orphanet 1515, MedGen C3150874, MONDO:0013323, OMIM 613610.

Submission:

Juno Genomics, Hangzhou Juno Genomics, Inc
Classification: Pathogenic for Cranioectodermal dysplasia 2; Short-rib thoracic dysplasia 7 with or without polydactyly. Review status: criteria provided, single submitter. Criteria: ACMG Guidelines, 2015. Collection method: clinical testing. Allele origin: germline. Affected: yes.
Comment: Absent from controls (or at extremely low frequency if recessive) in Genome Aggregation Database, Exome Sequencing Project, 1000 Genomes Project, or Exome Aggregation Consortium.;Null variant in a gene where loss of function (LOF) is a known mechanism of disease.;For recessive disorders, detected in trans with a pathogenic variant.;Patient's phenotype or family history is highly specific for a disease with a single genetic etiology.

NM_020779.4(WDR35):c.1137del (p.Thr380fs)

Gene: WDR35 (WD repeat domain 35; minus strand). Cytogenetic location: 2p24.1.
Variant type: Deletion.
Coding change: c.1137del on transcript NM_020779.4 (MANE Select); coding-DNA position 1137, one base deleted (T; older notation c.1137delT).
Protein change: p.Thr380fs; shifts the reading frame from threonine 380.
Molecular consequence: frameshift variant.
Genome position (GRCh38, 1-based): chr2:19,966,781, A deleted on the plus strand (T on the coding strand, the reverse complement: WDR35 is on the minus strand); the first of 2 consecutive A bases (chr2:19,966,781-19,966,782); deleting either gives the same sequence. VCF-style (leftmost placement, unchanged base first): chr2-19966780-TA-T. GRCh37 (hg19) VCF-style: chr2-20166541-TA-T.
Other names: c.1137del, p.Thr380fs (NM_001006657.2); short protein forms T380fs.
Identifiers: ClinVar variation 3764724 (VCV003764724.2).